The following is an entry in ClinVar:

ClinVar aggregate classification (germline): Likely pathogenic (1 of 4 stars; one submission).

Conditions:
Early-infantile DEE. Also called: Early infantile epileptic encephalopathy; Early infantile epileptic encephalopathy with suppression bursts; Ohtahara syndrome. Identifiers: Orphanet 1934, MedGen C0393706, MONDO:0800491.

Submission:

Labcorp Genetics (formerly Invitae), Labcorp
Classification: Likely pathogenic for Early-infantile DEE. Last evaluated: 2023-03-22. Review status: criteria provided, single submitter. Criteria: Invitae Variant Classification Sherloc (09022015). Collection method: clinical testing. Allele origin: germline.
Comment: This missense change has been observed in individual(s) with SCN1A-related conditions (Invitae). In summary, the currently available evidence indicates that the variant is pathogenic, but additional data are needed to prove that conclusively. Therefore, this variant has been classified as Likely Pathogenic. This variant disrupts the p.Thr105 amino acid residue in SCN1A. Other variant(s) that disrupt this residue have been observed in individuals with SCN1A-related conditions (PMID: 23195492; Invitae), which suggests that this may be a clinically significant amino acid residue. Advanced modeling of protein sequence and biophysical properties (such as structural, functional, and spatial information, amino acid conservation, physicochemical variation, residue mobility, and thermodynamic stability) performed at Invitae indicates that this missense variant is expected to disrupt SCN1A protein function. This variant is not present in population databases (gnomAD no frequency). This sequence change replaces threonine, which is neutral and polar, with serine, which is neutral and polar, at codon 105 of the SCN1A protein (p.Thr105Ser).

Literature cited by the submitters: PubMed 23195492.

NM_001165963.4(SCN1A):c.313A>T (p.Thr105Ser)

Gene: SCN1A (sodium voltage-gated channel alpha subunit 1; minus strand). Cytogenetic location: 2q24.3.
Variant type: single nucleotide variant.
Coding change: c.313A>T on transcript NM_001165963.4 (MANE Select); coding-DNA position 313, A replaced by T.
Protein change: p.Thr105Ser; replaces threonine 105 with serine.
Molecular consequence: missense variant. On other transcripts: 5 prime UTR variant (1), non-coding transcript variant (1).
Genome position (GRCh38, 1-based): chr2:166,058,640, T>A on the plus strand (A>T on the coding strand, the complement: SCN1A is on the minus strand). VCF-style: chr2-166058640-T-A. GRCh37 (hg19) VCF-style: chr2-166915150-T-A.
Other names: c.313A>T, p.Thr105Ser (NM_001165964.3, NM_001202435.3, NM_001353948.2 and 10 more transcripts); c.-2113A>T (NM_001353961.2); short protein forms T105S.
Identifiers: ClinVar variation 2848612 (VCV002848612.3), dbSNP rs2468272530, ClinGen allele CA349077084.